The following is an entry in ClinVar:

NM_005591.4(MRE11):c.1225+572A>T

Gene: MRE11 (MRE11 double strand break repair nuclease; minus strand). Cytogenetic location: 11q21.
Variant type: single nucleotide variant.
Coding change: c.1225+572A>T on transcript NM_005591.4 (MANE Select); 572 bases into the intron after coding-DNA position 1225, A replaced by T.
Molecular consequence: intron variant.
Genome position (GRCh38, 1-based): chr11:94,463,541, T>A on the plus strand (A>T on the coding strand, the complement: MRE11 is on the minus strand). VCF-style: chr11-94463541-T-A. GRCh37 (hg19) VCF-style: chr11-94196707-T-A.
Other names: c.1225+572A>T (NM_001330347.2, NM_005590.4).
Identifiers: ClinVar variation 60651 (VCV000060651.1), dbSNP rs397509353, ClinGen allele CA144592.

ClinVar aggregate classification (germline): other (0 of 4 stars; one submission).

Conditions:
Malignant tumor of urinary bladder. Also called: Urinary bladder cancer; Urinary Bladder Neoplasms; Bladder cancer. Identifiers: MedGen C0005684, MONDO:0001187, OMIM 109800.

Allele frequency attached by ClinVar (database versions not stated): 1000 Genomes Project 0.00379; 1000 Genomes Project 30x 0.00484; TOPMed 0.00706; gnomAD 0.00770 and 0.00780.
gnomAD v4.1: 1,159 of 152,200 alleles (0.76%); highest among the groups gnomAD compares: Non-Finnish European, 1.3%; 6 homozygotes.

Submission:

Gray Institute for Radiation Oncology & Biology, University of Oxford
Classification: other. Review status: no assertion criteria provided. Collection method: not provided. Allele origin: germline.
Comment: Detected by next-generation sequencing & confirmed by Sanger sequencing